The following is an entry in ClinVar:

ClinVar aggregate classification (germline): Conflicting classifications of pathogenicity. Review status: criteria provided, conflicting classifications (1 of 4 stars). 10 submissions from 10 submitters: Uncertain significance (1); Benign (1); Likely benign (7). 1 of the submissions does not count toward it. Last evaluated 2026-01-27.

Conditions:
Peutz-Jeghers syndrome (PJS). Also called: POLYPOSIS, HAMARTOMATOUS INTESTINAL; POLYPS-AND-SPOTS SYNDROME; Peutz-Jeghers polyposis; Periorificial lentiginosis syndrome. Identifiers: Orphanet 2869, MedGen C0031269, MeSH D010580, MONDO:0008280, OMIM 175200.
Hereditary cancer-predisposing syndrome. Also called: Neoplastic Syndromes, Hereditary; Hereditary Cancer Syndrome; Tumor predisposition; Hereditary neoplastic syndrome. Identifiers: Orphanet 140162, MedGen C0027672, MeSH D009386, MONDO:0015356.

Allele frequency attached by ClinVar (database versions not stated): gnomAD 0.00001; gnomAD exomes 0.00003; ExAC 0.00016.

Submissions (10):

Labcorp Genetics (formerly Invitae), Labcorp
Classification: Likely benign for Peutz-Jeghers syndrome. Last evaluated: 2026-01-27. Review status: criteria provided, single submitter. Criteria: Invitae Variant Classification Sherloc (09022015). Collection method: clinical testing. Allele origin: germline.

All of Us Research Program, National Institutes of Health
Classification: Likely benign for Peutz-Jeghers syndrome. Last evaluated: 2023-06-08. Review status: criteria provided, single submitter. Criteria: ACMG Guidelines, 2015. Collection method: clinical testing. Allele origin: germline. Inheritance: Autosomal dominant inheritance. Observed: 1 variant allele, 1 heterozygote.
Comment: This study involves interpretation of variants in research participants for the purpose of population health screening. Participant phenotype was not available at the time of variant classification. Additional details can be found in publication PMID: 35346344, PMCID: PMC8962531

Myriad Genetics, Inc.
Classification: Benign for Peutz-Jeghers syndrome. Last evaluated: 2023-04-12. Review status: criteria provided, single submitter. Criteria: Myriad Autosomal Dominant, Autosomal Recessive and X-Linked Classification Criteria (2023). Collection method: clinical testing. Allele origin: unknown.
Comment: This variant is considered benign. This variant is a silent/synonymous amino acid change and it is not expected to impact splicing.

Blueprint Genetics
Classification: Likely benign. Last evaluated: 2023-04-02. Review status: criteria provided, single submitter. Criteria: ACMG Guidelines, 2015. Collection method: clinical testing. Allele origin: germline.

Women's Health and Genetics/Laboratory Corporation of America, LabCorp
Classification: Likely benign. Last evaluated: 2022-11-22. Review status: criteria provided, single submitter. Criteria: LabCorp Variant Classification Summary - May 2015. Collection method: clinical testing. Allele origin: germline.

Genome-Nilou Lab
Classification: Uncertain significance for Peutz-Jeghers syndrome. Last evaluated: 2021-07-15. Review status: criteria provided, single submitter. Criteria: ACMG Guidelines, 2015. Collection method: clinical testing. Allele origin: germline. Affected: no.

Color Diagnostics, LLC DBA Color Health
Classification: Likely benign for Hereditary cancer-predisposing syndrome. Last evaluated: 2020-06-22. Review status: criteria provided, single submitter. Criteria: ACMG Guidelines, 2015. Collection method: clinical testing. Allele origin: germline.

Ambry Genetics
Classification: Likely benign for Hereditary cancer-predisposing syndrome. Last evaluated: 2019-02-13. Review status: criteria provided, single submitter. Criteria: Ambry Variant Classification Scheme 2023. Collection method: clinical testing. Allele origin: germline.

GeneDx
Classification: Likely benign. Last evaluated: 2018-04-24. Review status: criteria provided, single submitter. Criteria: GeneDx Variant Classification (06012015). Collection method: clinical testing. Allele origin: germline. Affected: yes.
Comment: This variant is considered likely benign or benign based on one or more of the following criteria: it is a conservative change, it occurs at a poorly conserved position in the protein, it is predicted to be benign by multiple in silico algorithms, and/or has population frequency not consistent with disease.

Counsyl
Classification: Likely benign for Peutz-Jeghers syndrome. Last evaluated: 2017-02-03. Review status: no assertion criteria provided. Collection method: clinical testing. Allele origin: unknown. Not counted in ClinVar's aggregate classification.

NM_000455.5(STK11):c.957A>G (p.Pro319=)

Gene: STK11 (serine/threonine kinase 11; plus strand). Cytogenetic location: 19p13.3.
Variant type: single nucleotide variant.
Coding change: c.957A>G on transcript NM_000455.5 (MANE Select); coding-DNA position 957, A replaced by G.
Protein change: p.Pro319=; no amino-acid change (proline 319 retained).
Molecular consequence: synonymous variant.
Genome position (GRCh38, 1-based): chr19:1,223,021, A>G. VCF-style: chr19-1223021-A-G. GRCh37 (hg19) VCF-style: chr19-1223020-A-G.
Identifiers: ClinVar variation 237807 (VCV000237807.22), dbSNP rs755126393, ClinGen allele CA049804.